The following is an entry in ClinVar:

NM_001737.5(C9):c.758A>G (p.Gln253Arg)

Gene: C9 (complement C9; minus strand). Cytogenetic location: 5p13.1.
Variant type: single nucleotide variant.
Coding change: c.758A>G on transcript NM_001737.5 (MANE Select); coding-DNA position 758, A replaced by G.
Protein change: p.Gln253Arg; replaces glutamine 253 with arginine.
Molecular consequence: missense variant.
Genome position (GRCh38, 1-based): chr5:39,315,887, T>C on the plus strand (A>G on the coding strand, the complement: C9 is on the minus strand). VCF-style: chr5-39315887-T-C. GRCh37 (hg19) VCF-style: chr5-39315989-T-C.
Other names: short protein forms Q253R.
Identifiers: ClinVar variation 1424801 (VCV001424801.6), dbSNP rs1328585343, ClinGen allele CA359558801.
Genomic context (GRCh38, chr5:39,315,887, plus strand): 5'-GAAAACCGAAAACTACCCTTGCCATGTAAAGAAATTGAGGAGGCTGTTTCCTCACAACAT[T>C]GTTCAGCTTTATTTGTTTCAGTGGGTGTAAATTTTAGAGATATAGCTGCATTAAAATTTG-3'
Protein context (NP_001728.1, residues 243-263): FTPTETNKAE[Gln253Arg]CCEETASSIS

ClinVar aggregate classification (germline): Uncertain significance (1 of 4 stars; one submission).

Allele frequency attached by ClinVar (database versions not stated): TOPMed below 0.00001.

Submission:

Labcorp Genetics (formerly Invitae), Labcorp
Classification: Uncertain significance. Last evaluated: 2021-04-16. Review status: criteria provided, single submitter. Criteria: Invitae Variant Classification Sherloc (09022015). Collection method: clinical testing. Allele origin: germline.
Comment: In summary, the available evidence is currently insufficient to determine the role of this variant in disease. Therefore, it has been classified as a Variant of Uncertain Significance. Algorithms developed to predict the effect of missense changes on protein structure and function are either unavailable or do not agree on the potential impact of this missense change (SIFT: "Not Available"; PolyPhen-2: "Benign"; Align-GVGD: "Not Available"). This variant has not been reported in the literature in individuals with C9-related conditions. This variant is not present in population databases (ExAC no frequency). This sequence change replaces glutamine with arginine at codon 253 of the C9 protein (p.Gln253Arg). The glutamine residue is weakly conserved and there is a small physicochemical difference between glutamine and arginine.